The following is an entry in ClinVar:

ClinVar aggregate classification (germline): Uncertain significance (1 of 4 stars; one submission).

Conditions:
Multiple endocrine neoplasia, type 1 (MEN1). Also called: MEN I; WERMER SYNDROME; Endocrine adenomatosis multiple; MEN 1; MEA I. Identifiers: Orphanet 652, MedGen C0025267, MeSH D018761, MONDO:0007540, OMIM 131100.

Submission:

Labcorp Genetics (formerly Invitae), Labcorp
Classification: Uncertain significance for Multiple endocrine neoplasia, type 1. Last evaluated: 2025-10-21. Review status: criteria provided, single submitter. Criteria: Invitae Variant Classification Sherloc (09022015). Collection method: clinical testing. Allele origin: germline.
Comment: This sequence change replaces tyrosine, which is neutral and polar, with serine, which is neutral and polar, at codon 222 of the MEN1 protein (p.Tyr222Ser). This variant is not present in population databases (gnomAD no frequency). This variant has not been reported in the literature in individuals affected with MEN1-related conditions. ClinVar contains an entry for this variant (Variation ID: 527264). Invitae Evidence Modeling of protein sequence and biophysical properties (such as structural, functional, and spatial information, amino acid conservation, physicochemical variation, residue mobility, and thermodynamic stability) indicates that this missense variant is expected to disrupt MEN1 protein function with a positive predictive value of 95%. Algorithms developed to predict the effect of sequence changes on RNA splicing suggest that this variant may create or strengthen a splice site. In summary, the available evidence is currently insufficient to determine the role of this variant in disease. Therefore, it has been classified as a Variant of Uncertain Significance.

NM_001370259.2(MEN1):c.665A>C (p.Tyr222Ser)

Gene: MEN1 (menin 1; minus strand). Cytogenetic location: 11q13.1.
Variant type: single nucleotide variant.
Coding change: c.665A>C on transcript NM_001370259.2 (MANE Select); coding-DNA position 665, A replaced by C.
Protein change: p.Tyr222Ser; replaces tyrosine 222 with serine.
Molecular consequence: missense variant.
Genome position (GRCh38, 1-based): chr11:64,807,670, T>G on the plus strand (A>C on the coding strand, the complement: MEN1 is on the minus strand). VCF-style: chr11-64807670-T-G. GRCh37 (hg19) VCF-style: chr11-64575142-T-G.
Other names: c.665A>C, p.Tyr222Ser (NM_001370260.2, NM_001370261.2, NM_001370251.2 and 1 more transcripts); c.680A>C, p.Tyr227Ser (NM_130801.3, NM_130802.3, NM_000244.4 and 3 more transcripts); c.560A>C, p.Tyr187Ser (NM_001370262.2, NM_001370263.2); short protein forms Y227S, Y222S, Y187S.
Identifiers: ClinVar variation 527264 (VCV000527264.8), dbSNP rs1555165601, ClinGen allele CA381185215.